The following is an entry in ClinVar:

ClinVar aggregate classification (germline): Uncertain significance. Review status: criteria provided, multiple submitters, no conflicts (2 of 4 stars). 2 submissions from 2 submitters: Uncertain significance (2). Last evaluated 2024-12-17.

Conditions:
Inborn genetic diseases. Identifiers: MedGen C0950123, MeSH D030342.
Polyglandular autoimmune syndrome, type 1 (APS1). Also called: PGA I; Autoimmune polyendocrinopathy syndrome , type I, with or without reversible metaphyseal dysplasia; AUTOIMMUNE POLYENDOCRINE SYNDROME, TYPE I, WITH OR WITHOUT REVERSIBLE METAPHYSEAL DYSPLASIA; HYPOADRENOCORTICISM WITH HYPOPARATHYROIDISM AND SUPERFICIAL MONILIASIS; Whitaker syndrome; APS I. Identifiers: Orphanet 3453, MedGen C0085859, MONDO:0009411, OMIM 240300.

Allele frequency attached by ClinVar (database versions not stated): ExAC 0.00001; gnomAD 0.00001; gnomAD exomes 0.00001 and 0.00002; TOPMed 0.00001.
gnomAD v4.1: 8 of 1,612,376 alleles (0.0005%); highest among the groups gnomAD compares: East Asian, 0.018%; no homozygotes.

Submissions (2):

Ambry Genetics
Classification: Uncertain significance for Inborn genetic diseases. Last evaluated: 2024-12-17. Review status: criteria provided, single submitter. Criteria: Ambry Variant Classification Scheme 2023. Collection method: clinical testing. Allele origin: germline.

Labcorp Genetics (formerly Invitae), Labcorp
Classification: Uncertain significance for Polyglandular autoimmune syndrome, type 1. Last evaluated: 2022-08-03. Review status: criteria provided, single submitter. Criteria: Invitae Variant Classification Sherloc (09022015). Collection method: clinical testing. Allele origin: germline.
Comment: This sequence change replaces arginine, which is basic and polar, with glycine, which is neutral and non-polar, at codon 378 of the AIRE protein (p.Arg378Gly). This variant is present in population databases (rs758775963, gnomAD 0.03%). This variant has not been reported in the literature in individuals affected with AIRE-related conditions. ClinVar contains an entry for this variant (Variation ID: 1374411). Algorithms developed to predict the effect of missense changes on protein structure and function are either unavailable or do not agree on the potential impact of this missense change (SIFT: "Deleterious"; PolyPhen-2: "Possibly Damaging"; Align-GVGD: "Class C0"). Algorithms developed to predict the effect of sequence changes on RNA splicing suggest that this variant may disrupt the consensus splice site. In summary, the available evidence is currently insufficient to determine the role of this variant in disease. Therefore, it has been classified as a Variant of Uncertain Significance.

NM_000383.4(AIRE):c.1132A>G (p.Arg378Gly)

Gene: AIRE (autoimmune regulator; plus strand). Cytogenetic location: 21q22.3.
Variant type: single nucleotide variant.
Coding change: c.1132A>G on transcript NM_000383.4 (MANE Select); coding-DNA position 1132, A replaced by G.
Protein change: p.Arg378Gly; replaces arginine 378 with glycine.
Molecular consequence: missense variant.
Genome position (GRCh38, 1-based): chr21:44,293,029, A>G. VCF-style: chr21-44293029-A-G. GRCh37 (hg19) VCF-style: chr21-45712912-A-G.
Other names: c.1132A>G (NM_000383.2); short protein forms R378G.
Identifiers: ClinVar variation 1374411 (VCV001374411.4), dbSNP rs758775963, ClinGen allele CA10051959.